The following is an entry in ClinVar:

NM_000277.3(PAH):c.1342C>T (p.Leu448Phe)

Gene: PAH (phenylalanine hydroxylase; minus strand). Cytogenetic location: 12q23.2.
Variant type: single nucleotide variant.
Coding change: c.1342C>T on transcript NM_000277.3 (MANE Select); coding-DNA position 1342, C replaced by T.
Protein change: p.Leu448Phe; replaces leucine 448 with phenylalanine.
Molecular consequence: missense variant.
Genome position (GRCh38, 1-based): chr12:102,839,192, G>A on the plus strand (C>T on the coding strand, the complement: PAH is on the minus strand). VCF-style: chr12-102839192-G-A. GRCh37 (hg19) VCF-style: chr12-103232970-G-A.
Other names: c.1342C>T, p.Leu448Phe (NM_001354304.2); c.1342C>T (NM_000277.1); short protein forms L448F.
Identifiers: ClinVar variation 1912436 (VCV001912436.5), dbSNP rs2499609842, ClinGen allele CA386492848.

ClinVar aggregate classification (germline): Uncertain significance. Review status: criteria provided, multiple submitters, no conflicts (2 of 4 stars). 2 submissions from 2 submitters: Uncertain significance (2). Last evaluated 2024-02-23.

Conditions:
Inborn genetic diseases. Identifiers: MedGen C0950123, MeSH D030342.
Phenylketonuria (PKU). Also called: Phenylketonurias; OLIGOPHRENIA PHENYLPYRUVICA; FOLLING DISEASE; Phenylketonuria (PKU). Identifiers: Orphanet 716, MedGen C0031485, MONDO:0009861, OMIM 261600. Disease mechanism: loss of function.

gnomAD v4.1: 1 of 1,613,774 alleles (0.000062%); no homozygotes.

Submissions (2):

Labcorp Genetics (formerly Invitae), Labcorp
Classification: Uncertain significance for Phenylketonuria. Last evaluated: 2024-02-23. Review status: criteria provided, single submitter. Criteria: Invitae Variant Classification Sherloc (09022015). Collection method: clinical testing. Allele origin: germline.
Comment: This sequence change replaces leucine, which is neutral and non-polar, with phenylalanine, which is neutral and non-polar, at codon 448 of the PAH protein (p.Leu448Phe). This variant is not present in population databases (gnomAD no frequency). This variant has not been reported in the literature in individuals affected with PAH-related conditions. ClinVar contains an entry for this variant (Variation ID: 1912436). Advanced modeling of protein sequence and biophysical properties (such as structural, functional, and spatial information, amino acid conservation, physicochemical variation, residue mobility, and thermodynamic stability) performed at Invitae indicates that this missense variant is not expected to disrupt PAH protein function with a negative predictive value of 80%. In summary, the available evidence is currently insufficient to determine the role of this variant in disease. Therefore, it has been classified as a Variant of Uncertain Significance.

Ambry Genetics
Classification: Uncertain significance for Inborn genetic diseases. Last evaluated: 2024-01-22. Review status: criteria provided, single submitter. Criteria: Ambry Variant Classification Scheme 2023. Collection method: clinical testing. Allele origin: germline.